The following is an entry in ClinVar:

NC_000021.8:g.(?_45757512)_(45757570_?)del

Gene: CFAP410 (cilia and flagella associated protein 410; minus strand). Cytogenetic location: 21q22.3.
Variant type: Deletion.
Identifiers: ClinVar variation 1457702 (VCV001457702.7).

ClinVar aggregate classification (germline): Pathogenic (1 of 4 stars; one submission).

Submission:

Labcorp Genetics (formerly Invitae), Labcorp
Classification: Pathogenic. Last evaluated: 2022-02-05. Review status: criteria provided, single submitter. Criteria: Invitae Variant Classification Sherloc (09022015). Collection method: clinical testing. Allele origin: germline.
Comment: For these reasons, this variant has been classified as Pathogenic. This variant has not been reported in the literature in individuals affected with CFAP410-related conditions. This variant is a gross deletion of the genomic region encompassing exon(s) 2 of the CFAP410 gene. This deletion is out-of-frame, and is expected to create a premature termination codon and result in an absent or disrupted protein product. Loss-of-function variants in CFAP410 are known to be pathogenic (PMID: 23105016, 26167768).

Literature cited by the submitters: PubMed 23105016; PubMed 26167768.